The following is an entry in ClinVar:

NM_194277.3(FRMD7):c.1784A>T (p.Asp595Val)

Gene: FRMD7 (FERM domain containing 7; minus strand). Cytogenetic location: Xq26.2.
Variant type: single nucleotide variant.
Coding change: c.1784A>T on transcript NM_194277.3 (MANE Select); coding-DNA position 1784, A replaced by T.
Protein change: p.Asp595Val; replaces aspartic acid 595 with valine.
Molecular consequence: missense variant.
Genome position (GRCh38, 1-based): chrX:132,078,233, T>A on the plus strand (A>T on the coding strand, the complement: FRMD7 is on the minus strand). VCF-style: chrX-132078233-T-A. GRCh37 (hg19) VCF-style: chrX-131212261-T-A.
Other names: c.1739A>T, p.Asp580Val (NM_001306193.2); short protein forms D595V, D580V.
Identifiers: ClinVar variation 1957683 (VCV001957683.6), dbSNP rs951558941, ClinGen allele CA335857478.

ClinVar aggregate classification (germline): Uncertain significance. Review status: criteria provided, multiple submitters, no conflicts (2 of 4 stars). 2 submissions from 2 submitters: Uncertain significance (2). Last evaluated 2022-06-01.

Allele frequency attached by ClinVar (database versions not stated): gnomAD exomes below 0.00001; TOPMed 0.00001.
gnomAD v4.1: 1 of 1,211,475 alleles (0.000083%); highest among the groups gnomAD compares: African/African-American, 0.0017%; no homozygotes.

Submissions (2):

Labcorp Genetics (formerly Invitae), Labcorp
Classification: Uncertain significance. Last evaluated: 2022-06-01. Review status: criteria provided, single submitter. Criteria: Invitae Variant Classification Sherloc (09022015). Collection method: clinical testing. Allele origin: germline.
Comment: In summary, the available evidence is currently insufficient to determine the role of this variant in disease. Therefore, it has been classified as a Variant of Uncertain Significance. Algorithms developed to predict the effect of missense changes on protein structure and function are either unavailable or do not agree on the potential impact of this missense change (SIFT: "Deleterious"; PolyPhen-2: "Probably Damaging"; Align-GVGD: "Class C0"). This variant has not been reported in the literature in individuals affected with FRMD7-related conditions. This variant is not present in population databases (gnomAD no frequency). This sequence change replaces aspartic acid, which is acidic and polar, with valine, which is neutral and non-polar, at codon 595 of the FRMD7 protein (p.Asp595Val).

Blueprint Genetics
Classification: Uncertain significance. Last evaluated: 2021-11-12. Review status: criteria provided, single submitter. Criteria: ACMG Guidelines, 2015. Collection method: clinical testing. Allele origin: germline.